The following is an entry in ClinVar:

ClinVar aggregate classification (germline): Pathogenic (1 of 4 stars; one submission).

Submission:

GeneDx
Classification: Pathogenic. Last evaluated: 2025-08-12. Review status: criteria provided, single submitter. Criteria: GeneDx Variant Classification Process June 2021. Collection method: clinical testing. Allele origin: germline. Affected: yes.
Comment: Not observed at significant frequency in large population cohorts (gnomAD); In silico analysis supports that this missense variant has a deleterious effect on protein structure/function; Has not been previously published as pathogenic or benign to our knowledge

NM_022455.5(NSD1):c.5917G>C (p.Gly1973Arg)

Gene: NSD1 (nuclear receptor binding SET domain protein 1; plus strand). Cytogenetic location: 5q35.3.
Variant type: single nucleotide variant.
Coding change: c.5917G>C on transcript NM_022455.5 (MANE Select); coding-DNA position 5917, G replaced by C.
Protein change: p.Gly1973Arg; replaces glycine 1973 with arginine.
Molecular consequence: missense variant.
Genome position (GRCh38, 1-based): chr5:177,282,489, G>C. VCF-style: chr5-177282489-G-C. GRCh37 (hg19) VCF-style: chr5-176709490-G-C.
Other names: c.5044G>C, p.Gly1682Arg (NM_001365684.2, NM_001409308.1, NM_001409309.1 and 1 more transcripts); c.5917G>C, p.Gly1973Arg (NM_001409301.1, NM_001409302.1, NM_001409303.1); c.5164G>C, p.Gly1722Arg (NM_001409305.1); c.5155G>C, p.Gly1719Arg (NM_001409306.1, NM_001409307.1); c.5497G>C, p.Gly1833Arg (NM_001409304.1); short protein forms G1682R, G1722R, G1833R, G1719R, G1973R.
Identifiers: ClinVar variation 4795472 (VCV004795472.1).